The following is an entry in ClinVar:

NM_002474.3(MYH11):c.5586C>G (p.Arg1862=)

Genes: MYH11 (myosin heavy chain 11; minus strand), NDE1 (nudE neurodevelopment protein 1; plus strand). Cytogenetic location: 16p13.11.
Variant type: single nucleotide variant.
Coding change: c.5586C>G on transcript NM_002474.3 (MANE Select); coding-DNA position 5586, C replaced by G.
Protein change: p.Arg1862=; no amino-acid change (arginine 1862 retained).
Molecular consequence: synonymous variant. On other transcripts: intron variant (2).
Genome position (GRCh38, 1-based): chr16:15,715,191, G>C on the plus strand (C>G on the coding strand, the complement: MYH11 is on the minus strand). VCF-style: chr16-15715191-G-C. GRCh37 (hg19) VCF-style: chr16-15809048-G-C.
Other names: c.5607C>G, p.Arg1869= (NM_001040113.2, NM_001040114.2); c.5586C>G, p.Arg1862= (NM_022844.3); c.948-9000G>C (NM_001143979.2, NM_017668.3).
Identifiers: ClinVar variation 384046 (VCV000384046.20), dbSNP rs542765381, ClinGen allele CA7921215.
Genomic context (GRCh38, chr16:15,715,191, plus strand): 5'-GGGGCTCGAGGGAGGCTGGGTGGCAGGGGCTACCTGCTCCTTGTACTGCTCGGCCATCTT[G>C]CGCTCGTCCTCCACCTGCAGCAAGATTTCCTTCAGCTTCTTGTCTTTCTGCTTCAGCGAC-3'
Protein context (NP_002465.1, residues 1852-1872): KEILLQVEDE[Arg1862=]KMAEQYKEQA

ClinVar aggregate classification (germline): Benign/Likely benign. Review status: criteria provided, multiple submitters, no conflicts (2 of 4 stars). 7 submissions from 7 submitters: Benign (3); Likely benign (4). Last evaluated 2025-12-24.

Conditions:
MYH11-related disorder. Also called: MYH11-related condition.
Familial thoracic aortic aneurysm and aortic dissection (TAAD). Also called: Thoracic aortic aneurysms and dissections. Identifiers: Orphanet 91387, MedGen C4707243, MONDO:0019625.
Aortic aneurysm, familial thoracic 4 (AAT4). Also called: AORTIC ANEURYSM/AORTIC DISSECTION AND PATENT DUCTUS ARTERIOSUS. Identifiers: MedGen C1851504, MONDO:0007568, OMIM 132900.

Allele frequency attached by ClinVar (database versions not stated): gnomAD 0.00001 and 0.00003; TOPMed 0.00002; gnomAD exomes 0.00006 and 0.00014; ExAC 0.00019; 1000 Genomes Project 30x 0.00031; 1000 Genomes Project 0.00040.
gnomAD v4.1: 89 of 1,613,996 alleles (0.0055%); highest among the groups gnomAD compares: South Asian, 0.085%; 2 homozygotes.

Submissions (7):

Labcorp Genetics (formerly Invitae), Labcorp
Classification: Benign for Aortic aneurysm, familial thoracic 4. Last evaluated: 2025-12-24. Review status: criteria provided, single submitter. Criteria: Invitae Variant Classification Sherloc (09022015). Collection method: clinical testing. Allele origin: germline.

PreventionGenetics, part of Exact Sciences
Classification: Likely benign for MYH11-related condition. Last evaluated: 2024-12-20. Review status: criteria provided, single submitter. Criteria: ACMG Guidelines, 2015. Collection method: clinical testing. Allele origin: germline.
Comment: This variant is classified as likely benign based on ACMG/AMP sequence variant interpretation guidelines (Richards et al. 2015 PMID: 25741868, with internal and published modifications).

Blueprint Genetics
Classification: Likely benign. Last evaluated: 2024-11-18. Review status: criteria provided, single submitter. Criteria: ACMG Guidelines, 2015. Collection method: clinical testing. Allele origin: germline.

All of Us Research Program, National Institutes of Health
Classification: Benign for Familial thoracic aortic aneurysm and aortic dissection. Last evaluated: 2024-05-14. Review status: criteria provided, single submitter. Criteria: ACMG Guidelines, 2015. Collection method: clinical testing. Allele origin: germline. Inheritance: Autosomal dominant inheritance. Observed: 7 variant alleles, 7 heterozygotes.
Comment: This study involves interpretation of variants in research participants for the purpose of population health screening. Participant phenotype was not available at the time of variant classification. Additional details can be found in publication PMID: 35346344, PMCID: PMC8962531

Ambry Genetics
Classification: Likely benign for Familial thoracic aortic aneurysm and aortic dissection. Last evaluated: 2021-06-14. Review status: criteria provided, single submitter. Criteria: Ambry Variant Classification Scheme 2023. Collection method: clinical testing. Allele origin: germline.

Color Diagnostics, LLC DBA Color Health
Classification: Benign for Familial thoracic aortic aneurysm and aortic dissection. Last evaluated: 2018-10-16. Review status: criteria provided, single submitter. Criteria: ACMG Guidelines, 2015. Collection method: clinical testing. Allele origin: germline.

GeneDx
Classification: Likely benign. Last evaluated: 2016-02-22. Review status: criteria provided, single submitter. Criteria: GeneDx Variant Classification (06012015). Collection method: clinical testing. Allele origin: germline. Affected: yes.
Comment: This variant is considered likely benign or benign based on one or more of the following criteria: it is a conservative change, it occurs at a poorly conserved position in the protein, it is predicted to be benign by multiple in silico algorithms, and/or has population frequency not consistent with disease.